The following is an entry in ClinVar:

ClinVar aggregate classification (germline): Uncertain significance. Review status: criteria provided, multiple submitters, no conflicts (2 of 4 stars). 2 submissions from 2 submitters: Uncertain significance (2). Last evaluated 2025-01-17.

Conditions:
Congenital disorder of glycosylation, type Ii. Also called: CDG Ii; ALG2-congenital disorder of glycosylation; ALG2-CDG. Identifiers: Orphanet 79326, MedGen C1842836, MONDO:0011933, OMIM 607906.
Congenital myasthenic syndrome 14. Also called: Myasthenic syndrome, congenital, 14, with tubular aggregates. Identifiers: Orphanet 353327, Orphanet 590, MedGen C4015597, MONDO:0014543, OMIM 616228.
Inborn genetic diseases. Identifiers: MedGen C0950123, MeSH D030342.

Allele frequency attached by ClinVar (database versions not stated): gnomAD 0.00001; TOPMed 0.00002; gnomAD exomes 0.00001.

Submissions (2):

Ambry Genetics
Classification: Uncertain significance for Inborn genetic diseases. Last evaluated: 2025-01-17. Review status: criteria provided, single submitter. Criteria: Ambry Variant Classification Scheme 2023. Collection method: clinical testing. Allele origin: germline.

Labcorp Genetics (formerly Invitae), Labcorp
Classification: Uncertain significance for Congenital disorder of glycosylation, type Ii; Congenital myasthenic syndrome 14. Last evaluated: 2023-08-10. Review status: criteria provided, single submitter. Criteria: Invitae Variant Classification Sherloc (09022015). Collection method: clinical testing. Allele origin: germline.
Comment: This sequence change replaces arginine, which is basic and polar, with glutamine, which is neutral and polar, at codon 129 of the ALG2 protein (p.Arg129Gln). In summary, the available evidence is currently insufficient to determine the role of this variant in disease. Therefore, it has been classified as a Variant of Uncertain Significance. An algorithm developed to predict the effect of missense changes on protein structure and function (PolyPhen-2) suggests that this variant¬†is likely to be tolerated. ClinVar contains an entry for this variant (Variation ID: 662111). This variant has not been reported in the literature in individuals affected with ALG2-related conditions. This variant is present in population databases (no rsID available, gnomAD 0.003%).

NM_033087.4(ALG2):c.386G>A (p.Arg129Gln)

Gene: ALG2 (ALG2 alpha-1,3/1,6-mannosyltransferase; minus strand). Cytogenetic location: 9q22.33.
Variant type: single nucleotide variant.
Coding change: c.386G>A on transcript NM_033087.4 (MANE Select); coding-DNA position 386, G replaced by A.
Protein change: p.Arg129Gln; replaces arginine 129 with glutamine.
Molecular consequence: missense variant. On other transcripts: non-coding transcript variant (1).
Genome position (GRCh38, 1-based): chr9:99,218,799, C>T on the plus strand (G>A on the coding strand, the complement: ALG2 is on the minus strand). VCF-style: chr9-99218799-C-T. GRCh37 (hg19) VCF-style: chr9-101981081-C-T.
Other names: short protein forms R129Q.
Identifiers: ClinVar variation 662111 (VCV000662111.7), dbSNP rs1025210566, ClinGen allele CA196853707.
Genomic context (GRCh38, chr9:99,218,799, plus strand): 5'-GAATCTCTCTTGGTGAGAAGCAGATCTGGGAAGTGACAGTAAAATAGGATCTTCTTCCGC[C>T]GTCTAGCCAGCCTGAACACTGGGATACAGGCAGACACCTAGCCAAAGCAAAAATCAACAG-3'
Protein context (NP_149078.1, residues 119-139): ACIPVFRLAR[Arg129Gln]RKKILFYCHF